The following is an entry in ClinVar:

ClinVar aggregate classification (germline): Likely benign (1 of 4 stars; one submission).

Allele frequency attached by ClinVar (database versions not stated): gnomAD 0.01378 and 0.01459; TOPMed 0.01561; 1000 Genomes Project 0.01637; 1000 Genomes Project 30x 0.01702.
gnomAD v4.1: 2,072 of 152,250 alleles (1.4%); highest among the groups gnomAD compares: African/African-American, 4.7%; 48 homozygotes.

Submission:

GeneDx
Classification: Likely benign. Last evaluated: 2018-06-14. Review status: criteria provided, single submitter. Criteria: GeneDx Variant Classification (06012015). Collection method: clinical testing. Allele origin: germline. Affected: yes.
Comment: This variant is considered likely benign or benign based on one or more of the following criteria: it is a conservative change, it occurs at a poorly conserved position in the protein, it is predicted to be benign by multiple in silico algorithms, and/or has population frequency not consistent with disease.

NM_001330078.2(NRXN1):c.3365-111062G>A

Gene: NRXN1 (neurexin 1; minus strand). Cytogenetic location: 2p16.3.
Variant type: single nucleotide variant.
Coding change: c.3365-111062G>A on transcript NM_001330078.2 (MANE Select); 111062 bases into the intron before coding-DNA position 3365, G replaced by A.
Molecular consequence: intron variant.
Genome position (GRCh38, 1-based): chr2:50,348,032, C>T on the plus strand (G>A on the coding strand, the complement: NRXN1 is on the minus strand). VCF-style: chr2-50348032-C-T. GRCh37 (hg19) VCF-style: chr2-50575170-C-T.
Other names: c.3254-111062G>A (NM_001330096.2, NM_001330087.2); c.3299-111062G>A (NM_001330083.2, NM_001330084.2); c.3284-111062G>A (NM_001330088.2); c.3362-111062G>A (NM_001330093.2); c.3353-111062G>A (NM_001330094.2); c.3314-111062G>A (NM_001330095.2); c.3341-111062G>A (NM_001330082.2, NM_001330077.2); c.3338-111062G>A (NM_001330085.2); and 2 more.
Identifiers: ClinVar variation 669857 (VCV000669857.1), dbSNP rs114120093, ClinGen allele CA47914516.